The following is an entry in ClinVar:

ClinVar aggregate classification (germline): Uncertain significance. Review status: criteria provided, multiple submitters, no conflicts (2 of 4 stars). 3 submissions from 3 submitters: Uncertain significance (3). Last evaluated 2025-01-21.

Conditions:
Combined immunodeficiency due to DOCK8 deficiency (HIES2). Also called: DOCK8 Deficiency; HYPER-IgE RECURRENT INFECTION SYNDROME 2, AUTOSOMAL RECESSIVE; HYPER-IgE SYNDROME 2, AUTOSOMAL RECESSIVE, WITH RECURRENT INFECTIONS; HIES autosomal recessive; Hyper-IgE recurrent infection syndrome, autosomal recessive. Identifiers: Orphanet 217390, MedGen C4722305, MONDO:0009478, OMIM 243700.

Allele frequency attached by ClinVar (database versions not stated): gnomAD 0.00002.
gnomAD v4.1: 29 of 1,542,620 alleles (0.0019%); highest among the groups gnomAD compares: Non-Finnish European, 0.0025%; no homozygotes.

Submissions (3):

Women's Health and Genetics/Laboratory Corporation of America, LabCorp
Classification: Uncertain significance. Last evaluated: 2025-01-21. Review status: criteria provided, single submitter. Criteria: LabCorp Variant Classification Summary - May 2015. Collection method: clinical testing. Allele origin: germline.
Comment: Variant summary: DOCK8 c.56A>G (p.Tyr19Cys) results in a non-conservative amino acid change in the encoded protein sequence. Three of five in-silico tools predict a benign effect of the variant on protein function. Consensus agreement among computation tools predict no significant impact on normal splicing. However, these predictions have yet to be confirmed by functional studies. The variant allele was found at a frequency of 1.9e-05 in 156484 control chromosomes (gnomAD). The available data on variant occurrences in the general population are insufficient to allow any conclusion about variant significance. c.56A>G has been reported in the literature in one individual affected with inflammatory bowel diseases (Crowley_2020). These data do not allow any conclusion about variant significance. To our knowledge, no experimental evidence demonstrating an impact on protein function has been reported. The following publication have been ascertained in the context of this evaluation (PMID: 32084423). ClinVar contains an entry for this variant (Variation ID: 1505277). Based on the evidence outlined above, the variant was classified as uncertain significance.

Blueprint Genetics
Classification: Uncertain significance. Last evaluated: 2024-11-05. Review status: criteria provided, single submitter. Criteria: ACMG Guidelines, 2015. Collection method: clinical testing. Allele origin: germline.

Labcorp Genetics (formerly Invitae), Labcorp
Classification: Uncertain significance for Combined immunodeficiency due to DOCK8 deficiency. Last evaluated: 2024-06-03. Review status: criteria provided, single submitter. Criteria: Invitae Variant Classification Sherloc (09022015). Collection method: clinical testing. Allele origin: germline.
Comment: This sequence change replaces tyrosine, which is neutral and polar, with cysteine, which is neutral and slightly polar, at codon 19 of the DOCK8 protein (p.Tyr19Cys). This variant is present in population databases (no rsID available, gnomAD 0.005%). This variant has not been reported in the literature in individuals affected with DOCK8-related conditions. ClinVar contains an entry for this variant (Variation ID: 1505277). An algorithm developed to predict the effect of missense changes on protein structure and function (PolyPhen-2) suggests that this variant is likely to be tolerated. In summary, the available evidence is currently insufficient to determine the role of this variant in disease. Therefore, it has been classified as a Variant of Uncertain Significance.

Literature cited by the submitters: PubMed 32084423 (cited by Women's Health and Genetics/Laboratory Corporation of America, LabCorp).

NM_203447.4(DOCK8):c.56A>G (p.Tyr19Cys)

Gene: DOCK8 (dedicator of cytokinesis 8; plus strand). Cytogenetic location: 9p24.3.
Variant type: single nucleotide variant.
Coding change: c.56A>G on transcript NM_203447.4 (MANE Select); coding-DNA position 56, A replaced by G.
Protein change: p.Tyr19Cys; replaces tyrosine 19 with cysteine.
Molecular consequence: missense variant.
Genome position (GRCh38, 1-based): chr9:271,629, A>G. VCF-style: chr9-271629-A-G. GRCh37 (hg19) VCF-style: chr9-271629-A-G.
Other names: short protein forms Y19C.
Identifiers: ClinVar variation 1505277 (VCV001505277.11), dbSNP rs578093992, ClinGen allele CA372752176.